The following is an entry in ClinVar:

ClinVar aggregate classification (germline): Uncertain significance. Review status: criteria provided, multiple submitters, no conflicts (2 of 4 stars). 2 submissions from 2 submitters: Uncertain significance (2). Last evaluated 2025-10-27.

Conditions:
Epidermolysis bullosa simplex 5C, with pyloric atresia (EBS5C). Also called: PLEC1-Related Epidermolysis Bullosa with Pyloric Atresia; PLEC-Related Epidermolysis Bullosa with Pyloric Atresia; Epidermolysis bullosa simplex with pyloric atresia. Identifiers: Orphanet 158684, MedGen C2677349, MONDO:0012807, OMIM 612138.
Epidermolysis bullosa simplex with nail dystrophy (EBS5D). Identifiers: MedGen C4225309, MONDO:0014661, OMIM 616487.
Autosomal recessive limb-girdle muscular dystrophy type 2Q (LGMDR17). Also called: MUSCULAR DYSTROPHY, LIMB-GIRDLE, AUTOSOMAL RECESSIVE 17. Identifiers: Orphanet 254361, MedGen C3150989, MONDO:0013390, OMIM 613723.
Epidermolysis bullosa simplex 5B, with muscular dystrophy (EBS5B). Also called: Epidermolysis bullosa simplex with muscular dystrophy; EPIDERMOLYSIS BULLOSA SIMPLEX AND LIMB-GIRDLE MUSCULAR DYSTROPHY. Identifiers: Orphanet 257, MedGen C2931072, MONDO:0009181, OMIM 226670.
Epidermolysis bullosa simplex, Ogna type (EBS5A). Also called: Pidermolysis bullosa simplex 5A, Ogna type; EPIDERMOLYSIS BULLOSA SIMPLEX 5A, OGNA TYPE. Identifiers: Orphanet 79401, MedGen C0432317, MONDO:0007555, OMIM 131950.

Allele frequency attached by ClinVar (database versions not stated): gnomAD 0.00001; TOPMed 0.00002; gnomAD exomes 0.00003; ExAC 0.00004.
gnomAD v4.1: 36 of 1,597,846 alleles (0.0023%); highest among the groups gnomAD compares: Admixed American, 0.0051%; no homozygotes.

Submissions (2):

Labcorp Genetics (formerly Invitae), Labcorp
Classification: Uncertain significance for Autosomal recessive limb-girdle muscular dystrophy type 2Q; Epidermolysis bullosa simplex, Ogna type; Epidermolysis bullosa simplex with nail dystrophy; Epidermolysis bullosa simplex 5C, with pyloric atresia; Epidermolysis bullosa simplex 5B, with muscular dystrophy. Last evaluated: 2025-10-27. Review status: criteria provided, single submitter. Criteria: Invitae Variant Classification Sherloc (09022015). Collection method: clinical testing. Allele origin: germline.
Comment: This sequence change replaces threonine, which is neutral and polar, with methionine, which is neutral and non-polar, at codon 3411 of the PLEC protein (p.Thr3411Met). This variant is present in population databases (rs782088523, gnomAD 0.006%). This variant has not been reported in the literature in individuals affected with PLEC-related conditions. ClinVar contains an entry for this variant (Variation ID: 577187). Invitae Evidence Modeling of protein sequence and biophysical properties (such as structural, functional, and spatial information, amino acid conservation, physicochemical variation, residue mobility, and thermodynamic stability) has been performed for this missense variant. However, the output from this modeling did not meet the statistical confidence thresholds required to predict the impact of this variant on PLEC protein function. In summary, the available evidence is currently insufficient to determine the role of this variant in disease. Therefore, it has been classified as a Variant of Uncertain Significance.

Revvity Omics, Revvity
Classification: Uncertain significance. Last evaluated: 2024-02-20. Review status: criteria provided, single submitter. Criteria: ACMG Guidelines, 2015. Collection method: clinical testing. Allele origin: germline.

NM_201384.3(PLEC):c.10151C>T (p.Thr3384Met)

Gene: PLEC (plectin; minus strand). Cytogenetic location: 8q24.3.
Variant type: single nucleotide variant.
Coding change: c.10151C>T on transcript NM_201384.3 (MANE Select); coding-DNA position 10151, C replaced by T.
Protein change: p.Thr3384Met; replaces threonine 3384 with methionine.
Molecular consequence: missense variant.
Genome position (GRCh38, 1-based): chr8:143,919,670, G>A on the plus strand (C>T on the coding strand, the complement: PLEC is on the minus strand). VCF-style: chr8-143919670-G-A. GRCh37 (hg19) VCF-style: chr8-144993838-G-A.
Other names: c.10232C>T, p.Thr3411Met (NM_000445.5); c.10109C>T, p.Thr3370Met (NM_201378.4); c.10085C>T, p.Thr3362Met (NM_201379.3); c.10562C>T, p.Thr3521Met (NM_201380.4); c.10055C>T, p.Thr3352Met (NM_201381.3); c.10151C>T, p.Thr3384Met (NM_201382.4); c.10163C>T, p.Thr3388Met (NM_201383.3); short protein forms T3352M, T3384M, T3388M, T3521M, T3362M, T3370M, T3411M.
Identifiers: ClinVar variation 577187 (VCV000577187.10), dbSNP rs782088523, ClinGen allele CA4924739.